The following is an entry in ClinVar:

NM_206937.2(LIG4):c.1052_1056del (p.Ile351fs)

Gene: LIG4 (DNA ligase 4; minus strand). Cytogenetic location: 13q33.3.
Variant type: Deletion.
Coding change: c.1052_1056del on transcript NM_206937.2 (MANE Select); coding-DNA positions 1052 to 1056, 5 bases deleted (TTAAA; older notation c.1052_1056delTTAAA).
Protein change: p.Ile351fs; shifts the reading frame from isoleucine 351.
Molecular consequence: frameshift variant.
Genome position (GRCh38, 1-based): chr13:108,210,213-108,210,217, TTTAA deleted on the plus strand (TTAAA on the coding strand, the reverse complement: LIG4 is on the minus strand); deleting any 5 consecutive bases within chr13:108,210,213-108,210,218 gives the same sequence; the c. name uses the placement nearest the transcript's 3' end. VCF-style (leftmost placement, unchanged base first): chr13-108210212-TTTTAA-T. GRCh37 (hg19) VCF-style: chr13-108862560-TTTTAA-T.
Other names: c.1052_1056del, p.Ile351fs (NM_001098268.2, NM_001352598.2, NM_001352599.2 and 6 more transcripts); c.851_855del, p.Ile284fs (NM_001330595.2); c.1088_1092del, p.Ile363fs (NM_001352604.2); short protein forms I284fs, I351fs, I363fs.
Identifiers: ClinVar variation 4735113 (VCV004735113.1).

ClinVar aggregate classification (germline): Pathogenic (1 of 4 stars; one submission).

Conditions:
DNA ligase IV deficiency. Identifiers: Orphanet 99812, MedGen C1847827, MONDO:0011686, OMIM 606593.

Submission:

Labcorp Genetics (formerly Invitae), Labcorp
Classification: Pathogenic for DNA ligase IV deficiency. Last evaluated: 2026-01-11. Review status: criteria provided, single submitter. Criteria: Invitae Variant Classification Sherloc (09022015). Collection method: clinical testing. Allele origin: germline.
Comment: This sequence change creates a premature translational stop signal (p.Ile351Lysfs*7) in the LIG4 gene. While this is not anticipated to result in nonsense mediated decay, it is expected to disrupt the last 561 amino acid(s) of the LIG4 protein. This variant is not present in population databases (gnomAD no frequency). This variant has not been reported in the literature in individuals affected with LIG4-related conditions. This variant disrupts a region of the LIG4 protein in which other variant(s) (p.Arg814*) have been determined to be pathogenic (PMID: 11779494, 16088910, 24123394, 25239263). This suggests that this is a clinically significant region of the protein, and that variants that disrupt it are likely to be disease-causing. For these reasons, this variant has been classified as Pathogenic.

Literature cited by the submitters: PubMed 11779494; PubMed 16088910; PubMed 24123394; PubMed 25239263.